The following is an entry in ClinVar:

ClinVar aggregate classification (germline): Likely pathogenic (1 of 4 stars; one submission).

Conditions:
Mucopolysaccharidosis type 6 (MPS6). Also called: MPS VI; ARYLSULFATASE B DEFICIENCY; N-ACETYLGALACTOSAMINE-4-SULFATASE DEFICIENCY; MPS 6; Maroteaux Lamy syndrome; ARSB DEFICIENCY. Identifiers: Orphanet 583, MedGen C0026709, MONDO:0009661, OMIM 253200.

Submission:

Labcorp Genetics (formerly Invitae), Labcorp
Classification: Likely pathogenic for Mucopolysaccharidosis type 6. Last evaluated: 2024-01-27. Review status: criteria provided, single submitter. Criteria: Invitae Variant Classification Sherloc (09022015). Collection method: clinical testing. Allele origin: germline.
Comment: This sequence change replaces cysteine, which is neutral and slightly polar, with tyrosine, which is neutral and polar, at codon 117 of the ARSB protein (p.Cys117Tyr). This variant is not present in population databases (gnomAD no frequency). This variant has not been reported in the literature in individuals affected with ARSB-related conditions. Advanced modeling of protein sequence and biophysical properties (such as structural, functional, and spatial information, amino acid conservation, physicochemical variation, residue mobility, and thermodynamic stability) performed at Invitae indicates that this missense variant is expected to disrupt ARSB protein function with a positive predictive value of 95%. This variant disrupts the p.Cys117 amino acid residue in ARSB. Other variant(s) that disrupt this residue have been determined to be pathogenic (PMID: 1550123, 17458871). This suggests that this residue is clinically significant, and that variants that disrupt this residue are likely to be disease-causing. In summary, the currently available evidence indicates that the variant is pathogenic, but additional data are needed to prove that conclusively. Therefore, this variant has been classified as Likely Pathogenic.

Literature cited by the submitters: PubMed 1550123; PubMed 17458871.

NM_000046.5(ARSB):c.350G>A (p.Cys117Tyr)

Gene: ARSB (arylsulfatase B; minus strand). Cytogenetic location: 5q14.1.
Variant type: single nucleotide variant.
Coding change: c.350G>A on transcript NM_000046.5 (MANE Select); coding-DNA position 350, G replaced by A.
Protein change: p.Cys117Tyr; replaces cysteine 117 with tyrosine.
Molecular consequence: missense variant.
Genome position (GRCh38, 1-based): chr5:78,969,155, C>T on the plus strand (G>A on the coding strand, the complement: ARSB is on the minus strand). VCF-style: chr5-78969155-C-T. GRCh37 (hg19) VCF-style: chr5-78264978-C-T.
Other names: c.350G>A, p.Cys117Tyr (NM_198709.3); short protein forms C117Y.
Identifiers: ClinVar variation 2745536 (VCV002745536.3), dbSNP rs2530607662, ClinGen allele CA360194406.